The following is an entry in ClinVar:

ClinVar aggregate classification (germline): Uncertain significance. Review status: criteria provided, multiple submitters, no conflicts (2 of 4 stars). 3 submissions from 3 submitters: Uncertain significance (3). Last evaluated 2021-10-18.

Conditions:
Hereditary cancer-predisposing syndrome. Also called: Tumor predisposition; Neoplastic Syndromes, Hereditary; Hereditary Cancer Syndrome; Hereditary neoplastic syndrome. Identifiers: Orphanet 140162, MedGen C0027672, MeSH D009386, MONDO:0015356.
Peutz-Jeghers syndrome (PJS). Also called: POLYPOSIS, HAMARTOMATOUS INTESTINAL; POLYPS-AND-SPOTS SYNDROME; Peutz-Jeghers polyposis; Periorificial lentiginosis syndrome. Identifiers: Orphanet 2869, MedGen C0031269, MeSH D010580, MONDO:0008280, OMIM 175200.

Allele frequency attached by ClinVar (database versions not stated): gnomAD exomes below 0.00001.
gnomAD v4.1: 1 of 1,613,652 alleles (0.000062%); highest among the groups gnomAD compares: Non-Finnish European, 0.000085%; no homozygotes.

Submissions (3):

St. Jude Molecular Pathology, St. Jude Children's Research Hospital
Classification: Uncertain significance for Peutz-Jeghers syndrome. Last evaluated: 2021-10-18. Review status: criteria provided, single submitter. Criteria: St. Jude Assertion Criteria 2020. Collection method: clinical testing. Allele origin: germline.
Comment: The STK11 c.107A>G (p.Tyr36Cys) missense change is absent in gnomAD v2.1.1 (PM2_supporting). It is also absent in a database of women older than 70 years of age who have never had cancer. Six of seven in silico tools predict a deleterious effect of this variant on protein function (PP3), but to our knowledge these predictions have not been confirmed by functional assays. To our knowledge, this variant has not been reported in individuals with Peutz-Jeghers syndrome. In summary, this variant meets criteria to be classified as of uncertain significance based on the ACMG/AMP criteria: PM2_supporting, PP3.

Genome-Nilou Lab
Classification: Uncertain significance for Peutz-Jeghers syndrome. Last evaluated: 2021-07-15. Review status: criteria provided, single submitter. Criteria: ACMG Guidelines, 2015. Collection method: clinical testing. Allele origin: germline. Affected: no.

Ambry Genetics
Classification: Uncertain significance for Hereditary cancer-predisposing syndrome. Last evaluated: 2017-04-01. Review status: criteria provided, single submitter. Criteria: Ambry Variant Classification Scheme 2023. Collection method: clinical testing. Allele origin: germline.
Comment: The p.Y36C variant (also known as c.107A>G), located in coding exon 1 of the STK11 gene, results from an A to G substitution at nucleotide position 107. The tyrosine at codon 36 is replaced by cysteine, an amino acid with highly dissimilar properties. This amino acid position is well conserved in available vertebrate species. In addition, the in silico prediction for this alteration is inconclusive. Since supporting evidence is limited at this time, the clinical significance of this alteration remains unclear.

NM_000455.5(STK11):c.107A>G (p.Tyr36Cys)

Gene: STK11 (serine/threonine kinase 11; plus strand). Cytogenetic location: 19p13.3.
Variant type: single nucleotide variant.
Coding change: c.107A>G on transcript NM_000455.5 (MANE Select); coding-DNA position 107, A replaced by G.
Protein change: p.Tyr36Cys; replaces tyrosine 36 with cysteine.
Molecular consequence: missense variant.
Genome position (GRCh38, 1-based): chr19:1,207,020, A>G. VCF-style: chr19-1207020-A-G. GRCh37 (hg19) VCF-style: chr19-1207019-A-G.
Other names: short protein forms Y36C.
Identifiers: ClinVar variation 486991 (VCV000486991.10), dbSNP rs1555734937, ClinGen allele CA402943845.
Genomic context (GRCh38, chr19:1,207,020, plus strand): 5'-AGCTGATGTCGGTGGGTATGGACACGTTCATCCACCGCATCGACTCCACCGAGGTCATCT[A>G]CCAGCCGCGCCGCAAGCGGGCCAAGCTCATCGGCAAGTACCTGATGGGGGACCTGCTGGG-3'
Protein context (NP_000446.1, residues 26-46): IHRIDSTEVI[Tyr36Cys]QPRRKRAKLI